The following is an entry in ClinVar:

ClinVar aggregate classification (germline): Uncertain significance. Review status: criteria provided, multiple submitters, no conflicts (2 of 4 stars). 2 submissions from 2 submitters: Uncertain significance (2). Last evaluated 2024-12-10.

Conditions:
Immunodeficiency 39 (IMD39). Identifiers: Orphanet 574918, MedGen C4225358, MONDO:0014597, OMIM 616345.

Allele frequency attached by ClinVar (database versions not stated): TOPMed 0.00002.
gnomAD v4.1: 2 of 1,572,180 alleles (0.00013%); highest among the groups gnomAD compares: Non-Finnish European, 0.000086%; no homozygotes.

Submissions (2):

Ambry Genetics
Classification: Uncertain significance. Last evaluated: 2024-12-10. Review status: criteria provided, single submitter. Criteria: Ambry Variant Classification Scheme 2023. Collection method: clinical testing. Allele origin: germline.

Labcorp Genetics (formerly Invitae), Labcorp
Classification: Uncertain significance for Immunodeficiency 39. Last evaluated: 2018-11-28. Review status: criteria provided, single submitter. Criteria: Invitae Variant Classification Sherloc (09022015). Collection method: clinical testing. Allele origin: germline.
Comment: Algorithms developed to predict the effect of missense changes on protein structure and function are either unavailable or do not agree on the potential impact of this missense change (SIFT: "Deleterious"; PolyPhen-2: "Probably Damaging"; Align-GVGD: "Class C0"). This variant has not been reported in the literature in individuals with IRF7-related conditions. This variant is not present in population databases (ExAC no frequency). This sequence change replaces valine with methionine at codon 304 of the IRF7 protein (p.Val304Met). The valine residue is moderately conserved and there is a small physicochemical difference between valine and methionine. In summary, the available evidence is currently insufficient to determine the role of this variant in disease. Therefore, it has been classified as a Variant of Uncertain Significance.

NM_001572.5(IRF7):c.871G>A (p.Val291Met)

Gene: IRF7 (interferon regulatory factor 7; minus strand). Cytogenetic location: 11p15.5.
Variant type: single nucleotide variant.
Coding change: c.871G>A on transcript NM_001572.5 (MANE Select); coding-DNA position 871, G replaced by A.
Protein change: p.Val291Met; replaces valine 291 with methionine.
Molecular consequence: missense variant.
Genome position (GRCh38, 1-based): chr11:613,572, C>T on the plus strand (G>A on the coding strand, the complement: IRF7 is on the minus strand). VCF-style: chr11-613572-C-T. GRCh37 (hg19) VCF-style: chr11-613572-C-T.
Other names: c.871G>A, p.Val291Met (LRG_1313t1); c.784G>A, p.Val262Met (NM_004029.4); c.910G>A, p.Val304Met (NM_004031.4); short protein forms V304M, V262M, V291M.
Identifiers: ClinVar variation 652789 (VCV000652789.9), dbSNP rs1226109716, ClinGen allele CA378979689.